The following is an entry in ClinVar:

ClinVar aggregate classification (germline): Uncertain significance (1 of 4 stars; one submission).

Conditions:
Emery-Dreifuss muscular dystrophy 5, autosomal dominant (EDMD5). Also called: EMERY-DREIFUSS MUSCULAR DYSTROPHY 5. Identifiers: Orphanet 261, MedGen C2751805, MONDO:0013072, OMIM 612999.

gnomAD v4.1: 35 of 1,613,738 alleles (0.0022%); highest among the groups gnomAD compares: Non-Finnish European, 0.0028%; no homozygotes.

Submission:

Labcorp Genetics (formerly Invitae), Labcorp
Classification: Uncertain significance for Emery-Dreifuss muscular dystrophy 5, autosomal dominant. Last evaluated: 2024-09-08. Review status: criteria provided, single submitter. Criteria: Invitae Variant Classification Sherloc (09022015). Collection method: clinical testing. Allele origin: germline.
Comment: This sequence change replaces proline, which is neutral and non-polar, with serine, which is neutral and polar, at codon 4207 of the SYNE2 protein (p.Pro4207Ser). This variant is present in population databases (rs775069817, gnomAD 0.004%). This variant has not been reported in the literature in individuals affected with SYNE2-related conditions. An algorithm developed to predict the effect of missense changes on protein structure and function (PolyPhen-2) suggests that this variant is likely to be tolerated. In summary, the available evidence is currently insufficient to determine the role of this variant in disease. Therefore, it has been classified as a Variant of Uncertain Significance.

NM_182914.3(SYNE2):c.12619C>T (p.Pro4207Ser)

Gene: SYNE2 (spectrin repeat containing nuclear envelope protein 2; plus strand). Cytogenetic location: 14q23.2.
Variant type: single nucleotide variant.
Coding change: c.12619C>T on transcript NM_182914.3 (MANE Select); coding-DNA position 12619, C replaced by T.
Protein change: p.Pro4207Ser; replaces proline 4207 with serine.
Molecular consequence: missense variant.
Genome position (GRCh38, 1-based): chr14:64,113,350, C>T. VCF-style: chr14-64113350-C-T. GRCh37 (hg19) VCF-style: chr14-64580068-C-T.
Other names: c.12619C>T, p.Pro4207Ser (NM_015180.6); short protein forms P4207S.
Identifiers: ClinVar variation 3710031 (VCV003710031.2).